The following is an entry in ClinVar:

NM_001283009.2(RTEL1):c.3007G>C (p.Asp1003His)

Genes: RTEL1 (regulator of telomere elongation helicase 1; plus strand), RTEL1-TNFRSF6B (RTEL1-TNFRSF6B readthrough (NMD candidate); plus strand). Cytogenetic location: 20q13.33.
Variant type: single nucleotide variant.
Coding change: c.3007G>C on transcript NM_001283009.2 (MANE Select); coding-DNA position 3007, G replaced by C.
Protein change: p.Asp1003His; replaces aspartic acid 1003 with histidine.
Molecular consequence: missense variant. On other transcripts: non-coding transcript variant (1).
Genome position (GRCh38, 1-based): chr20:63,694,386, G>C. VCF-style: chr20-63694386-G-C. GRCh37 (hg19) VCF-style: chr20-62325739-G-C.
Other names: c.2338G>C, p.Asp780His (NM_001283010.1); c.3007G>C, p.Asp1003His (NM_016434.4); c.3079G>C, p.Asp1027His (NM_032957.5); short protein forms D1027H, D780H, D1003H.
Identifiers: ClinVar variation 3791119 (VCV003791119.1).

ClinVar aggregate classification (germline): Uncertain significance (1 of 4 stars; one submission).

Conditions:
Inborn genetic diseases. Identifiers: MedGen C0950123, MeSH D030342.

Submission:

Ambry Genetics
Classification: Uncertain significance for Inborn genetic diseases. Last evaluated: 2025-02-06. Review status: criteria provided, single submitter. Criteria: Ambry Variant Classification Scheme 2023. Collection method: clinical testing. Allele origin: germline.
Comment: The p.D1003H variant (also known as c.3007G>C), located in coding exon 30 of the RTEL1 gene, results from a G to C substitution at nucleotide position 3007. The aspartic acid at codon 1003 is replaced by histidine, an amino acid with similar properties. This amino acid position is conserved. In addition, this alteration is predicted to be tolerated by in silico analysis. Based on the available evidence, the clinical significance of this variant remains unclear.